The following is an entry in ClinVar:

ClinVar aggregate classification (germline): Uncertain significance (1 of 4 stars; one submission).

gnomAD v4.1: 97 of 1,614,032 alleles (0.006%); highest among the groups gnomAD compares: Admixed American, 0.013%; no homozygotes.

Submission:

Labcorp Genetics (formerly Invitae), Labcorp
Classification: Uncertain significance. Last evaluated: 2025-08-06. Review status: criteria provided, single submitter. Criteria: Invitae Variant Classification Sherloc (09022015). Collection method: clinical testing. Allele origin: germline.
Comment: This sequence change replaces leucine, which is neutral and non-polar, with serine, which is neutral and polar, at codon 436 of the ZHX3 protein (p.Leu436Ser). This variant is present in population databases (rs138157230, gnomAD 0.02%). This variant has not been reported in the literature in individuals affected with ZHX3-related conditions. An algorithm developed to predict the effect of missense changes on protein structure and function (PolyPhen-2) suggests that this variant is likely to be disruptive. In summary, the available evidence is currently insufficient to determine the role of this variant in disease. Therefore, it has been classified as a Variant of Uncertain Significance.

NM_001384317.1(ZHX3):c.1307T>C (p.Leu436Ser)

Gene: ZHX3 (zinc fingers and homeoboxes 3; minus strand). Cytogenetic location: 20q12.
Variant type: single nucleotide variant.
Coding change: c.1307T>C on transcript NM_001384317.1 (MANE Select); coding-DNA position 1307, T replaced by C.
Protein change: p.Leu436Ser; replaces leucine 436 with serine.
Molecular consequence: missense variant.
Genome position (GRCh38, 1-based): chr20:41,203,610, A>G on the plus strand (T>C on the coding strand, the complement: ZHX3 is on the minus strand). VCF-style: chr20-41203610-A-G. GRCh37 (hg19) VCF-style: chr20-39832250-A-G.
Other names: c.1307T>C, p.Leu436Ser (NM_001384315.1, NM_001384316.1, NM_001384318.1 and 8 more transcripts); short protein forms L436S.
Identifiers: ClinVar variation 4752119 (VCV004752119.1).